The following is an entry in ClinVar:

NM_015570.4(AUTS2):c.2959A>G (p.Lys987Glu)

Gene: AUTS2 (activator of transcription and developmental regulator AUTS2; plus strand). Cytogenetic location: 7q11.22.
Variant type: single nucleotide variant.
Coding change: c.2959A>G on transcript NM_015570.4 (MANE Select); coding-DNA position 2959, A replaced by G.
Protein change: p.Lys987Glu; replaces lysine 987 with glutamic acid.
Molecular consequence: missense variant.
Genome position (GRCh38, 1-based): chr7:70,790,175, A>G. VCF-style: chr7-70790175-A-G. GRCh37 (hg19) VCF-style: chr7-70255161-A-G.
Other names: c.2887A>G, p.Lys963Glu (NM_001127231.3); c.2959A>G (NM_015570.2); short protein forms K963E, K987E.
Identifiers: ClinVar variation 2628560 (VCV002628560.2), dbSNP rs1056492547, ClinGen allele CA160016179.
Genomic context (GRCh38, chr7:70,790,175, plus strand): 5'-GGTGAGCCGGCCTACGAGAACCCCAAGAAGAGCTCCGAGGTCAAGGTGAAGGAGGAGCGG[A>G]AGGAAGACCATGACCTGCCTCCAGAGGCCCCGCAGACCCACCGGGCCTCGGAGCCGCCGC-3'
Protein context (NP_056385.1, residues 977-997): SSEVKVKEER[Lys987Glu]EDHDLPPEAP

ClinVar aggregate classification (germline): Uncertain significance. Review status: criteria provided, multiple submitters, no conflicts (2 of 4 stars). 2 submissions from 2 submitters: Uncertain significance (2). Last evaluated 2025-08-10.

Conditions:
AUTS2-related disorder. Also called: AUTS2-related condition.
Inborn genetic diseases. Identifiers: MedGen C0950123, MeSH D030342.

Allele frequency attached by ClinVar (database versions not stated): gnomAD exomes 0.00001; TOPMed 0.00001.
gnomAD v4.1: 3 of 1,612,148 alleles (0.00019%); highest among the groups gnomAD compares: Admixed American, 0.005%; no homozygotes.

Submissions (2):

Ambry Genetics
Classification: Uncertain significance for Inborn genetic diseases. Last evaluated: 2025-08-10. Review status: criteria provided, single submitter. Criteria: Ambry Variant Classification Scheme 2023. Collection method: clinical testing. Allele origin: germline.

PreventionGenetics, part of Exact Sciences
Classification: Uncertain significance for AUTS2-related condition. Last evaluated: 2022-11-21. Review status: criteria provided, single submitter. Criteria: ACMG Guidelines, 2015. Collection method: clinical testing. Allele origin: germline.
Comment: The AUTS2 c.2959A>G variant is predicted to result in the amino acid substitution p.Lys987Glu. To our knowledge, this variant has not been reported in the literature. This variant is reported in 0.0058% of alleles in individuals of Latino descent in gnomAD. At this time, the clinical significance of this variant is uncertain due to the absence of conclusive functional and genetic evidence.